The following is an entry in ClinVar:

NM_001385641.1(SAMD11):c.1552C>T (p.Arg518Trp)

Gene: SAMD11 (sterile alpha motif domain containing 11; plus strand). Cytogenetic location: 1p36.33.
Variant type: single nucleotide variant.
Coding change: c.1552C>T on transcript NM_001385641.1 (MANE Select); coding-DNA position 1552, C replaced by T.
Protein change: p.Arg518Trp; replaces arginine 518 with tryptophan.
Molecular consequence: missense variant.
Genome position (GRCh38, 1-based): chr1:942,487, C>T. VCF-style: chr1-942487-C-T. GRCh37 (hg19) VCF-style: chr1-877867-C-T.
Other names: c.1555C>T, p.Arg519Trp (NM_001385640.1); c.1063C>T, p.Arg355Trp (NM_152486.4); c.1063C>T (NM_152486.2); short protein forms R355W, R518W, R519W.
Identifiers: ClinVar variation 1005034 (VCV001005034.8), dbSNP rs367769858, ClinGen allele CA16724567.

ClinVar aggregate classification (germline): Uncertain significance. Review status: criteria provided, multiple submitters, no conflicts (2 of 4 stars). 4 submissions from 4 submitters: Uncertain significance (3). 1 of the submissions does not count toward it. Last evaluated 2024-11-05.

Conditions:
Retinal dystrophy. Also called: Inherited retinal dystrophy. Identifiers: Orphanet 71862, MedGen C0854723, MeSH D058499, MONDO:0019118, HP:0000556.

Allele frequency attached by ClinVar (database versions not stated): gnomAD 0.00005 and 0.00006; TOPMed 0.00008.

Submissions (4):

Labcorp Genetics (formerly Invitae), Labcorp
Classification: Uncertain significance. Last evaluated: 2024-11-05. Review status: criteria provided, single submitter. Criteria: Invitae Variant Classification Sherloc (09022015). Collection method: clinical testing. Allele origin: germline.
Comment: This sequence change replaces arginine, which is basic and polar, with tryptophan, which is neutral and slightly polar, at codon 355 of the SAMD11 protein (p.Arg355Trp). The frequency data for this variant in the population databases is considered unreliable, as metrics indicate poor data quality at this position in the gnomAD database. This variant has not been reported in the literature in individuals affected with SAMD11-related conditions. ClinVar contains an entry for this variant (Variation ID: 1005034). An algorithm developed to predict the effect of missense changes on protein structure and function (PolyPhen-2) suggests that this variant is likely to be disruptive. In summary, the available evidence is currently insufficient to determine the role of this variant in disease. Therefore, it has been classified as a Variant of Uncertain Significance.

Ambry Genetics
Classification: Uncertain significance. Last evaluated: 2024-06-05. Review status: criteria provided, single submitter. Criteria: Ambry Variant Classification Scheme 2023. Collection method: clinical testing. Allele origin: germline.

Blueprint Genetics
Classification: Uncertain significance. Last evaluated: 2023-05-04. Review status: criteria provided, single submitter. Criteria: ACMG Guidelines, 2015. Collection method: clinical testing. Allele origin: germline.

Institute of Human Genetics, Univ. Regensburg, Univ. Regensburg
Classification: Uncertain significance for Retinal dystrophy. Last evaluated: 2023-01-01. Review status: no assertion criteria provided. Criteria: ACMG Guidelines, 2015. Collection method: clinical testing. Allele origin: germline. Affected: yes. Not counted in ClinVar's aggregate classification.